The following is an entry in ClinVar:

NM_001036.6(RYR3):c.3125G>A (p.Arg1042His)

Gene: RYR3 (ryanodine receptor 3; plus strand). Cytogenetic location: 15q14.
Variant type: single nucleotide variant.
Coding change: c.3125G>A on transcript NM_001036.6 (MANE Select); coding-DNA position 3125, G replaced by A.
Protein change: p.Arg1042His; replaces arginine 1042 with histidine.
Molecular consequence: missense variant.
Genome position (GRCh38, 1-based): chr15:33,634,683, G>A. VCF-style: chr15-33634683-G-A. GRCh37 (hg19) VCF-style: chr15-33926884-G-A.
Other names: c.3125G>A, p.Arg1042His (NM_001243996.4); short protein forms R1042H.
Identifiers: ClinVar variation 1038848 (VCV001038848.8), dbSNP rs781225171, ClinGen allele CA7458620.

ClinVar aggregate classification (germline): Uncertain significance (1 of 4 stars; one submission).

Conditions:
Epileptic encephalopathy. Identifiers: MedGen C0543888, HP:0200134.

Allele frequency attached by ClinVar (database versions not stated): ExAC 0.00001; TOPMed 0.00001.
gnomAD v4.1: 7 of 1,613,934 alleles (0.00043%); highest among the groups gnomAD compares: East Asian, 0.0045%; no homozygotes.

Submission:

Labcorp Genetics (formerly Invitae), Labcorp
Classification: Uncertain significance for Epileptic encephalopathy. Last evaluated: 2020-04-01. Review status: criteria provided, single submitter. Criteria: Invitae Variant Classification Sherloc (09022015). Collection method: clinical testing. Allele origin: germline.
Comment: In summary, the available evidence is currently insufficient to determine the role of this variant in disease. Therefore, it has been classified as a Variant of Uncertain Significance. Algorithms developed to predict the effect of missense changes on protein structure and function (SIFT, PolyPhen-2, Align-GVGD) all suggest that this variant is likely to be disruptive, but these predictions have not been confirmed by published functional studies and their clinical significance is uncertain. This variant has not been reported in the literature in individuals with RYR3-related conditions. This variant is present in population databases (rs781225171, ExAC 0.01%). This sequence change replaces arginine with histidine at codon 1042 of the RYR3 protein (p.Arg1042His). The arginine residue is highly conserved and there is a small physicochemical difference between arginine and histidine.